The following is an entry in ClinVar:

ClinVar aggregate classification (germline): Uncertain significance (1 of 4 stars; one submission).

Conditions:
Arrhythmogenic right ventricular dysplasia 13. Also called: ARRHYTHMOGENIC RIGHT VENTRICULAR CARDIOMYOPATHY 13; Arrhythmogenic right ventricular dysplasia, familial, 13. Identifiers: MedGen C3810138, MONDO:0000908, OMIM 615616.

Submission:

Labcorp Genetics (formerly Invitae), Labcorp
Classification: Uncertain significance for Arrhythmogenic right ventricular dysplasia 13. Last evaluated: 2024-07-21. Review status: criteria provided, single submitter. Criteria: Invitae Variant Classification Sherloc (09022015). Collection method: clinical testing. Allele origin: germline.
Comment: This sequence change replaces valine, which is neutral and non-polar, with isoleucine, which is neutral and non-polar, at codon 251 of the CTNNA3 protein (p.Val251Ile). This variant is not present in population databases (gnomAD no frequency). This variant has not been reported in the literature in individuals affected with CTNNA3-related conditions. Advanced modeling of protein sequence and biophysical properties (such as structural, functional, and spatial information, amino acid conservation, physicochemical variation, residue mobility, and thermodynamic stability) performed at Invitae indicates that this missense variant is not expected to disrupt CTNNA3 protein function with a negative predictive value of 80%. In summary, the available evidence is currently insufficient to determine the role of this variant in disease. Therefore, it has been classified as a Variant of Uncertain Significance.

NM_013266.4(CTNNA3):c.751G>A (p.Val251Ile)

Gene: CTNNA3 (catenin alpha 3; minus strand). Cytogenetic location: 10q21.3.
Variant type: single nucleotide variant.
Coding change: c.751G>A on transcript NM_013266.4 (MANE Select); coding-DNA position 751, G replaced by A.
Protein change: p.Val251Ile; replaces valine 251 with isoleucine.
Molecular consequence: missense variant.
Genome position (GRCh38, 1-based): chr10:67,219,699, C>T on the plus strand (G>A on the coding strand, the complement: CTNNA3 is on the minus strand). VCF-style: chr10-67219699-C-T. GRCh37 (hg19) VCF-style: chr10-68979457-C-T.
Other names: c.751G>A, p.Val251Ile (NM_001127384.3); c.787G>A, p.Val263Ile (NM_001291133.2); short protein forms V251I, V263I.
Identifiers: ClinVar variation 3670365 (VCV003670365.2).